The following is an entry in ClinVar:

ClinVar aggregate classification (germline): Uncertain significance (1 of 4 stars; one submission).

Conditions:
Autosomal recessive limb-girdle muscular dystrophy type 2W (MDRCMTT). Also called: Muscular dystrophy, limb-girdle, type 2W; Muscular dystrophy, autosomal recessive, with cardiomyopathy and triangular tongue. Identifiers: MedGen C4225192, MONDO:0014788, OMIM 616827.

Allele frequency attached by ClinVar (database versions not stated): TOPMed 0.00001; gnomAD exomes 0.00002; ExAC 0.00002; gnomAD 0.00001.

Submission:

Labcorp Genetics (formerly Invitae), Labcorp
Classification: Uncertain significance for Autosomal recessive limb-girdle muscular dystrophy type 2W. Last evaluated: 2026-01-19. Review status: criteria provided, single submitter. Criteria: Invitae Variant Classification Sherloc (09022015). Collection method: clinical testing. Allele origin: germline.
Comment: This sequence change replaces glutamic acid, which is acidic and polar, with lysine, which is basic and polar, at codon 332 of the LIMS2 protein (p.Glu332Lys). This variant is present in population databases (rs752151256, gnomAD 0.006%). This variant has not been reported in the literature in individuals affected with LIMS2-related conditions. ClinVar contains an entry for this variant (Variation ID: 2987009). Invitae Evidence Modeling of protein sequence and biophysical properties (such as structural, functional, and spatial information, amino acid conservation, physicochemical variation, residue mobility, and thermodynamic stability) indicates that this missense variant is not expected to disrupt LIMS2 protein function with a negative predictive value of 80%. In summary, the available evidence is currently insufficient to determine the role of this variant in disease. Therefore, it has been classified as a Variant of Uncertain Significance.

NM_001161403.3(LIMS2):c.928G>A (p.Glu310Lys)

Gene: LIMS2 (LIM zinc finger domain containing 2; minus strand). Cytogenetic location: 2q14.3.
Variant type: single nucleotide variant.
Coding change: c.928G>A on transcript NM_001161403.3 (MANE Select); coding-DNA position 928, G replaced by A.
Protein change: p.Glu310Lys; replaces glutamic acid 310 with lysine.
Molecular consequence: missense variant.
Genome position (GRCh38, 1-based): chr2:127,639,379, C>T on the plus strand (G>A on the coding strand, the complement: LIMS2 is on the minus strand). VCF-style: chr2-127639379-C-T. GRCh37 (hg19) VCF-style: chr2-128396954-C-T.
Other names: c.994G>A, p.Glu332Lys (NM_001136037.4); c.913G>A, p.Glu305Lys (NM_001161404.2); c.472G>A, p.Glu158Lys (NM_001161405.1, NM_001256542.2); c.1000G>A, p.Glu334Lys (NM_017980.5); short protein forms E158K, E305K, E334K, E310K, E332K.
Identifiers: ClinVar variation 2987009 (VCV002987009.3), dbSNP rs752151256, ClinGen allele CA1862803.